The following is an entry in ClinVar:

NM_002929.3(GRK1):c.1177C>T (p.Arg393Ter)

Gene: GRK1 (G protein-coupled receptor kinase 1; plus strand). Cytogenetic location: 13q34.
Variant type: single nucleotide variant.
Coding change: c.1177C>T on transcript NM_002929.3 (MANE Select); coding-DNA position 1177, C replaced by T.
Protein change: p.Arg393Ter; replaces arginine 393 with a stop codon.
Molecular consequence: nonsense.
Genome position (GRCh38, 1-based): chr13:113,731,326, C>T. VCF-style: chr13-113731326-C-T. GRCh37 (hg19) VCF-style: chr13-114434299-C-T.
Other names: short protein forms R393*.
Identifiers: ClinVar variation 870437 (VCV000870437.3), dbSNP rs137877289, ClinGen allele CA257164878.

ClinVar aggregate classification (germline): Pathogenic. Review status: criteria provided, single submitter (1 of 4 stars). 2 submissions from 2 submitters: Pathogenic (1). 1 of the submissions does not count toward it. Last evaluated 2025-12-15.

Conditions:
Oguchi disease-2. Also called: NIGHT BLINDNESS, CONGENITAL STATIONARY, OGUCHI TYPE 2. Identifiers: Orphanet 75382, MedGen C3150678, MONDO:0013259, OMIM 613411.

Allele frequency attached by ClinVar (database versions not stated): gnomAD 0.00002 and 0.00003; gnomAD exomes 0.00002 and 0.00004; 1000 Genomes Project 30x 0.00016; TOPMed 0.00005; 1000 Genomes Project 0.00020.
gnomAD v4.1: 28 of 1,536,968 alleles (0.0018%); highest among the groups gnomAD compares: Middle Eastern, 0.017%; no homozygotes.

Submissions (2):

3billion
Classification: Pathogenic for Oguchi disease-2. Last evaluated: 2025-12-15. Review status: criteria provided, single submitter. Criteria: ACMG Guidelines, 2015. Collection method: clinical testing. Allele origin: germline. Affected: yes.
Comment: The variant is observed at an extremely low frequency in the gnomAD v4.1.0 dataset (total allele frequency: 0.002%). Predicted Consequence/Location: Stop-gained (nonsense): predicted to result in a loss or disruption of normal protein function through nonsense-mediated decay (NMD) or protein truncation. Multiple pathogenic variants are reported downstream of the variant. The variant has been reported at least twice as pathogenic without evidence for the classification (ClinVar ID: VCV000870437 /PMID: 33252155 /3billion dataset). Therefore, this variant is classified as Pathogenic according to the recommendation of ACMG/AMP guideline.

Leeds Institute of Medical Research, University of Leeds
Classification: Likely pathogenic for Oguchi disease-2. Last evaluated: 2019-12-17. Review status: no assertion criteria provided. Collection method: clinical testing. Allele origin: inherited. Inheritance: Autosomal recessive inheritance. Affected: yes. Not counted in ClinVar's aggregate classification.

Literature cited by the submitters: PubMed 33252155 (cited by 3billion).